The following is an entry in ClinVar:

NM_004456.5(EZH2):c.1760C>A (p.Pro587His)

Gene: EZH2 (enhancer of zeste 2 polycomb repressive complex 2 subunit; minus strand). Cytogenetic location: 7q36.1.
Variant type: single nucleotide variant.
Coding change: c.1760C>A on transcript NM_004456.5 (MANE Select); coding-DNA position 1760, C replaced by A.
Protein change: p.Pro587His; replaces proline 587 with histidine.
Molecular consequence: missense variant.
Genome position (GRCh38, 1-based): chr7:148,814,050, G>T on the plus strand (C>A on the coding strand, the complement: EZH2 is on the minus strand). VCF-style: chr7-148814050-G-T. GRCh37 (hg19) VCF-style: chr7-148511142-G-T.
Other names: c.1745C>A, p.Pro582His (NM_001203247.2); c.1718C>A, p.Pro573His (NM_001203248.2); c.1592C>A, p.Pro531His (NM_001203249.2); c.1628C>A, p.Pro543His (NM_152998.3); short protein forms P531H, P573H, P587H, P543H, P582H.
Identifiers: ClinVar variation 4743195 (VCV004743195.1).

ClinVar aggregate classification (germline): Uncertain significance (1 of 4 stars; one submission).

Conditions:
Weaver syndrome (WVS). Also called: Weaver Smith syndrome; Overgrowth syndrome with accelerated skeletal maturation, unusual facies, and camptodactyly. Identifiers: Orphanet 3447, MedGen C0265210, MONDO:0010193, OMIM 277590.

Submission:

Labcorp Genetics (formerly Invitae), Labcorp
Classification: Uncertain significance for Weaver syndrome. Last evaluated: 2025-06-24. Review status: criteria provided, single submitter. Criteria: Invitae Variant Classification Sherloc (09022015). Collection method: clinical testing. Allele origin: germline.
Comment: This sequence change replaces proline, which is neutral and non-polar, with histidine, which is basic and polar, at codon 587 of the EZH2 protein (p.Pro587His). This variant is not present in population databases (gnomAD no frequency). This variant has not been reported in the literature in individuals affected with EZH2-related conditions. Invitae Evidence Modeling of protein sequence and biophysical properties (such as structural, functional, and spatial information, amino acid conservation, physicochemical variation, residue mobility, and thermodynamic stability) indicates that this missense variant is expected to disrupt EZH2 protein function with a positive predictive value of 80%. In summary, the available evidence is currently insufficient to determine the role of this variant in disease. Therefore, it has been classified as a Variant of Uncertain Significance.